The following is an entry in ClinVar:

ClinVar aggregate classification (germline): Conflicting classifications of pathogenicity. Review status: criteria provided, conflicting classifications (1 of 4 stars). 2 submissions from 2 submitters: Uncertain significance (1); Likely benign (1). Last evaluated 2025-05-19.

Conditions:
Hereditary cancer-predisposing syndrome. Also called: Hereditary neoplastic syndrome; Neoplastic Syndromes, Hereditary; Tumor predisposition; Hereditary Cancer Syndrome. Identifiers: Orphanet 140162, MedGen C0027672, MeSH D009386, MONDO:0015356.

Allele frequency attached by ClinVar (database versions not stated): gnomAD exomes 0.00001 and 0.00004; ExAC 0.00002.
gnomAD v4.1: 19 of 1,613,480 alleles (0.0012%); highest among the groups gnomAD compares: South Asian, 0.018%; no homozygotes.

Submissions (2):

Labcorp Genetics (formerly Invitae), Labcorp
Classification: Uncertain significance. Last evaluated: 2025-05-19. Review status: criteria provided, single submitter. Criteria: Invitae Variant Classification Sherloc (09022015). Collection method: clinical testing. Allele origin: germline.
Comment: This sequence change replaces serine, which is neutral and polar, with asparagine, which is neutral and polar, at codon 92 of the POLE protein (p.Ser92Asn). This variant is present in population databases (rs752586205, gnomAD 0.03%). This variant has not been reported in the literature in individuals affected with POLE-related conditions. ClinVar contains an entry for this variant (Variation ID: 948987). Invitae Evidence Modeling of protein sequence and biophysical properties (such as structural, functional, and spatial information, amino acid conservation, physicochemical variation, residue mobility, and thermodynamic stability) indicates that this missense variant is not expected to disrupt POLE protein function with a negative predictive value of 80%. In summary, the available evidence is currently insufficient to determine the role of this variant in disease. Therefore, it has been classified as a Variant of Uncertain Significance.

Ambry Genetics
Classification: Likely benign for Hereditary cancer-predisposing syndrome. Last evaluated: 2024-10-17. Review status: criteria provided, single submitter. Criteria: Ambry Variant Classification Scheme 2023. Collection method: clinical testing. Allele origin: germline.

NM_006231.4(POLE):c.275G>A (p.Ser92Asn)

Gene: POLE (DNA polymerase epsilon, catalytic subunit; minus strand). Cytogenetic location: 12q24.33.
Variant type: single nucleotide variant.
Coding change: c.275G>A on transcript NM_006231.4 (MANE Select); coding-DNA position 275, G replaced by A.
Protein change: p.Ser92Asn; replaces serine 92 with asparagine.
Molecular consequence: missense variant.
Genome position (GRCh38, 1-based): chr12:132,680,617, C>T on the plus strand (G>A on the coding strand, the complement: POLE is on the minus strand). VCF-style: chr12-132680617-C-T. GRCh37 (hg19) VCF-style: chr12-133257203-C-T.
Other names: short protein forms S92N.
Identifiers: ClinVar variation 948987 (VCV000948987.13), dbSNP rs752586205, ClinGen allele CA6894395.